The following is an entry in ClinVar:

ClinVar aggregate classification (germline): Uncertain significance (0 of 4 stars; one submission).

Conditions:
KMT2E-related disorder. Also called: KMT2E-related condition.

Submission:

PreventionGenetics, part of Exact Sciences
Classification: Uncertain significance for KMT2E-related condition. Last evaluated: 2024-04-27. Review status: no assertion criteria provided. Collection method: clinical testing. Allele origin: germline.
Comment: The KMT2E c.714T>G variant is predicted to result in the amino acid substitution p.Ile238Met. To our knowledge, this variant has not been reported in the literature or in a large population database, indicating this variant is rare. At this time, the clinical significance of this variant is uncertain due to the absence of conclusive functional and genetic evidence.

NM_182931.3(KMT2E):c.714T>G (p.Ile238Met)

Gene: KMT2E (lysine methyltransferase 2E (inactive); plus strand). Cytogenetic location: 7q22.3.
Variant type: single nucleotide variant.
Coding change: c.714T>G on transcript NM_182931.3 (MANE Select); coding-DNA position 714, T replaced by G.
Protein change: p.Ile238Met; replaces isoleucine 238 with methionine.
Molecular consequence: missense variant.
Genome position (GRCh38, 1-based): chr7:105,074,800, T>G. VCF-style: chr7-105074800-T-G. GRCh37 (hg19) VCF-style: chr7-104715247-T-G.
Other names: c.714T>G, p.Ile238Met (NM_001410908.1, NM_018682.4); short protein forms I238M.
Identifiers: ClinVar variation 3346953 (VCV003346953.1).
Genomic context (GRCh38, chr7:105,074,800, plus strand): 5'-AAGAGTTTCCAAAGTTAATGATAAAAGAAGGAAAAAAAGCGGGGAGAAAGAACAACACAT[T>G]TCAAAATGTAAAAAGGTACGTTTTTGCTTGTTTTTAGGTGAGTGGATAGGATAGCGGATA-3'
Protein context (NP_891847.1, residues 228-248): RKKSGEKEQH[Ile238Met]SKCKKAFREG